The following is an entry in ClinVar:

NM_173076.3(ABCA12):c.2459C>T (p.Ala820Val)

Gene: ABCA12 (ATP binding cassette subfamily A member 12; minus strand). Cytogenetic location: 2q35.
Variant type: single nucleotide variant.
Coding change: c.2459C>T on transcript NM_173076.3 (MANE Select); coding-DNA position 2459, C replaced by T.
Protein change: p.Ala820Val; replaces alanine 820 with valine.
Molecular consequence: missense variant. On other transcripts: non-coding transcript variant (1).
Genome position (GRCh38, 1-based): chr2:215,010,344, G>A on the plus strand (C>T on the coding strand, the complement: ABCA12 is on the minus strand). VCF-style: chr2-215010344-G-A. GRCh37 (hg19) VCF-style: chr2-215875068-G-A.
Other names: c.1505C>T, p.Ala502Val (NM_015657.4); short protein forms A502V, A820V.
Identifiers: ClinVar variation 3691298 (VCV003691298.2).

ClinVar aggregate classification (germline): Uncertain significance (1 of 4 stars; one submission).

Submission:

Labcorp Genetics (formerly Invitae), Labcorp
Classification: Uncertain significance. Last evaluated: 2024-10-28. Review status: criteria provided, single submitter. Criteria: Invitae Variant Classification Sherloc (09022015). Collection method: clinical testing. Allele origin: germline.
Comment: This sequence change replaces alanine, which is neutral and non-polar, with valine, which is neutral and non-polar, at codon 820 of the ABCA12 protein (p.Ala820Val). This variant is not present in population databases (gnomAD no frequency). This variant has not been reported in the literature in individuals affected with ABCA12-related conditions. Invitae Evidence Modeling of protein sequence and biophysical properties (such as structural, functional, and spatial information, amino acid conservation, physicochemical variation, residue mobility, and thermodynamic stability) indicates that this missense variant is expected to disrupt ABCA12 protein function with a positive predictive value of 80%. Algorithms developed to predict the effect of sequence changes on RNA splicing suggest that this variant may disrupt the consensus splice site. In summary, the available evidence is currently insufficient to determine the role of this variant in disease. Therefore, it has been classified as a Variant of Uncertain Significance.